The following is an entry in ClinVar:

NM_005431.2(XRCC2):c.742C>G (p.Gln248Glu)

Gene: XRCC2 (X-ray repair cross complementing 2; minus strand). Cytogenetic location: 7q36.1.
Variant type: single nucleotide variant.
Coding change: c.742C>G on transcript NM_005431.2 (MANE Select); coding-DNA position 742, C replaced by G.
Protein change: p.Gln248Glu; replaces glutamine 248 with glutamic acid.
Molecular consequence: missense variant.
Genome position (GRCh38, 1-based): chr7:152,648,743, G>C on the plus strand (C>G on the coding strand, the complement: XRCC2 is on the minus strand). VCF-style: chr7-152648743-G-C. GRCh37 (hg19) VCF-style: chr7-152345828-G-C.
Other names: short protein forms Q248E.
Identifiers: ClinVar variation 513405 (VCV000513405.16), dbSNP rs190900560, ClinGen allele CA4582303.

ClinVar aggregate classification (germline): Conflicting classifications of pathogenicity. Review status: criteria provided, conflicting classifications (1 of 4 stars). 5 submissions from 5 submitters: Uncertain significance (2); Likely benign (2). 1 of the submissions does not count toward it. Last evaluated 2023-09-06.

Conditions:
Hereditary cancer-predisposing syndrome. Also called: Hereditary Cancer Syndrome; Neoplastic Syndromes, Hereditary; Tumor predisposition; Hereditary neoplastic syndrome. Identifiers: Orphanet 140162, MedGen C0027672, MeSH D009386, MONDO:0015356.

Allele frequency attached by ClinVar (database versions not stated): gnomAD exomes below 0.00001 and 0.00001; gnomAD 0.00001; ExAC 0.00002; 1000 Genomes Project 30x 0.00016; 1000 Genomes Project 0.00020.
gnomAD v4.1: 7 of 1,614,072 alleles (0.00043%); highest among the groups gnomAD compares: Non-Finnish European, 0.00051%; no homozygotes.

Submissions (5):

Quest Diagnostics Nichols Institute San Juan Capistrano
Classification: Uncertain significance. Last evaluated: 2023-09-06. Review status: criteria provided, single submitter. Criteria: Quest Diagnostics criteria. Collection method: clinical testing. Allele origin: unknown.
Comment: In the published literature, the variant has been reported in an individual with breast cancer (PMID: 23054243 (2012)). A functional assay showed no effect on XRCC2 function indicating that this variant does not impact protein function (PMID: 27233470 (2016)). The frequency of this variant in the general population, 0.000026 (3/113730 chromosomes (Genome Aggregation Database)), is uninformative in the assessment of its pathogenicity. Analysis of this variant using bioinformatics tools for the prediction of the effect of amino acid changes on protein structure and function yielded predictions that this variant is benign. Based on the available information, we are unable to determine the clinical significance of this variant.

Labcorp Genetics (formerly Invitae), Labcorp
Classification: Uncertain significance. Last evaluated: 2022-03-05. Review status: criteria provided, single submitter. Criteria: Invitae Variant Classification Sherloc (09022015). Collection method: clinical testing. Allele origin: germline.
Comment: This variant is present in population databases (rs190900560, gnomAD 0.003%). This sequence change replaces glutamine, which is neutral and polar, with glutamic acid, which is acidic and polar, at codon 248 of the XRCC2 protein (p.Gln248Glu). In summary, the available evidence is currently insufficient to determine the role of this variant in disease. Therefore, it has been classified as a Variant of Uncertain Significance. Experimental studies have shown that this missense change does not substantially affect XRCC2 function (PMID: 27233470). Algorithms developed to predict the effect of missense changes on protein structure and function output the following: SIFT: "Tolerated"; PolyPhen-2: "Benign"; Align-GVGD: "Class C0". The glutamic acid amino acid residue is found in multiple mammalian species, which suggests that this missense change does not adversely affect protein function. ClinVar contains an entry for this variant (Variation ID: 513405). This missense change has been observed in individual(s) with breast cancer (PMID: 23054243).

Ambry Genetics
Classification: Likely benign for Hereditary cancer-predisposing syndrome. Last evaluated: 2021-11-16. Review status: criteria provided, single submitter. Criteria: Ambry Variant Classification Scheme 2023. Collection method: clinical testing. Allele origin: germline.

GeneDx
Classification: Likely benign. Last evaluated: 2017-11-14. Review status: criteria provided, single submitter. Criteria: GeneDx Variant Classification (06012015). Collection method: clinical testing. Allele origin: germline. Affected: yes.
Comment: This variant is considered likely benign or benign based on one or more of the following criteria: it is a conservative change, it occurs at a poorly conserved position in the protein, it is predicted to be benign by multiple in silico algorithms, and/or has population frequency not consistent with disease.

Leiden Open Variation Database
Classification: Uncertain significance. Last evaluated: 2016-04-14. Review status: no assertion criteria provided. Collection method: curation. Allele origin: germline. Affected: yes. Not counted in ClinVar's aggregate classification.
Comment: Curator: Arleen D. Auerbach. Submitter to LOVD: Florentine Hilbers.

Literature cited by the submitters: PubMed 27233470 (cited by 3 submitters); PubMed 23054243 (cited by 4 submitters).